The following is an entry in ClinVar:

NM_003242.6(TGFBR2):c.54G>A (p.Thr18=)

Gene: TGFBR2 (transforming growth factor beta receptor 2; plus strand). Cytogenetic location: 3p24.1.
Variant type: single nucleotide variant.
Coding change: c.54G>A on transcript NM_003242.6 (MANE Select); coding-DNA position 54, G replaced by A.
Protein change: p.Thr18=; no amino-acid change (threonine 18 retained).
Molecular consequence: synonymous variant. On other transcripts: 5 prime UTR variant (4), intron variant (2).
Genome position (GRCh38, 1-based): chr3:30,606,937, G>A. VCF-style: chr3-30606937-G-A. GRCh37 (hg19) VCF-style: chr3-30648429-G-A.
Other names: c.54G>A, p.Thr18= (NM_001024847.3, NM_001407126.1, NM_001407127.1 and 4 more transcripts); c.-230G>A (NM_001407133.1); c.-108G>A (NM_001407134.1); c.-155G>A (NM_001407135.1); c.-240G>A (NM_001407136.1); c.-12+344G>A (NM_001407129.1, NM_001407132.1).
Identifiers: ClinVar variation 927137 (VCV000927137.10), dbSNP rs139456857, ClinGen allele CA433010054.
Genomic context (GRCh38, chr3:30,606,937, plus strand): 5'-GTCTGCCATGGGTCGGGGGCTGCTCAGGGGCCTGTGGCCGCTGCACATCGTCCTGTGGAC[G>A]CGTATCGCCAGCACGATCCCACCGCACGTTCAGAAGTCGGGTGAGTGGTCCCCAGCCCGG-3'
Protein context (NP_003233.4, residues 8-28): GLWPLHIVLW[Thr18=]RIASTIPPHV

ClinVar aggregate classification (germline): Likely benign. Review status: criteria provided, multiple submitters, no conflicts (2 of 4 stars). 4 submissions from 4 submitters: Likely benign (4). Last evaluated 2025-11-08.

Conditions:
Familial thoracic aortic aneurysm and aortic dissection (TAAD). Also called: Thoracic aortic aneurysms and dissections. Identifiers: Orphanet 91387, MedGen C4707243, MONDO:0019625.
Diabetic retinopathy. Identifiers: MedGen C0011884, MONDO:0005266.

Allele frequency attached by ClinVar (database versions not stated): TOPMed 0.00001.
gnomAD v4.1: 2 of 1,602,068 alleles (0.00012%); highest among the groups gnomAD compares: Non-Finnish European, 0.00017%; no homozygotes.

Submissions (4):

Labcorp Genetics (formerly Invitae), Labcorp
Classification: Likely benign for Familial thoracic aortic aneurysm and aortic dissection. Last evaluated: 2025-11-08. Review status: criteria provided, single submitter. Criteria: Invitae Variant Classification Sherloc (09022015). Collection method: clinical testing. Allele origin: germline.

Color Diagnostics, LLC DBA Color Health
Classification: Likely benign for Familial thoracic aortic aneurysm and aortic dissection. Last evaluated: 2018-10-21. Review status: criteria provided, single submitter. Criteria: ACMG Guidelines, 2015. Collection method: clinical testing. Allele origin: germline.

Ambry Genetics
Classification: Likely benign for Familial thoracic aortic aneurysm and aortic dissection. Last evaluated: 2017-08-14. Review status: criteria provided, single submitter. Criteria: Ambry Variant Classification Scheme 2023. Collection method: clinical testing. Allele origin: germline.

Clinical Genomics, Uppaluri K&H Personalized Medicine Clinic
Classification: Likely benign for Diabetic retinopathy. Review status: criteria provided, single submitter. Criteria: K And H Uppaluri Personalized Medicine Clinic Variant Classification And Assertion Criteria Updated V 2. Collection method: research. Allele origin: unknown.
Comment: Potent mutations in TGFBR2 gene encodes the transforming growth factor that have been associated with angiogenesis and diabetic retinopathy. More clinical studies are needed for stronger association. However, more evidence is required to confer the association of this particular variant rs139456857 with diabetic retinopathy.

Literature cited by the submitters: PubMed 30222965 (cited by Clinical Genomics, Uppaluri K&H Personalized Medicine Clinic); PubMed 28162229 (cited by Clinical Genomics, Uppaluri K&H Personalized Medicine Clinic); PubMed 34572573 (cited by Clinical Genomics, Uppaluri K&H Personalized Medicine Clinic).